The following is an entry in ClinVar:

NM_001358921.2(COQ2):c.573del (p.Val192fs)

Gene: COQ2 (coenzyme Q2, polyprenyltransferase; minus strand). Cytogenetic location: 4q21.23.
Variant type: Deletion.
Coding change: c.573del on transcript NM_001358921.2 (MANE Select); coding-DNA position 573, one base deleted (T; older notation c.573delT).
Protein change: p.Val192fs; shifts the reading frame from valine 192.
Molecular consequence: frameshift variant.
Genome position (GRCh38, 1-based): chr4:83,272,142, A deleted on the plus strand (T on the coding strand, the reverse complement: COQ2 is on the minus strand); the first of 2 consecutive A bases (chr4:83,272,142-83,272,143); deleting either gives the same sequence. VCF-style (leftmost placement, unchanged base first): chr4-83272141-CA-C. GRCh37 (hg19) VCF-style: chr4-84193294-CA-C.
Other names: c.723del, p.Val242fs (NM_015697.9); short protein forms V192fs, V242fs.
Identifiers: ClinVar variation 1921302 (VCV001921302.5), dbSNP rs2529759017, ClinGen allele CA2580071840.

ClinVar aggregate classification (germline): Pathogenic (1 of 4 stars; one submission).

Submission:

Labcorp Genetics (formerly Invitae), Labcorp
Classification: Pathogenic. Last evaluated: 2024-10-26. Review status: criteria provided, single submitter. Criteria: Invitae Variant Classification Sherloc (09022015). Collection method: clinical testing. Allele origin: germline.
Comment: This sequence change creates a premature translational stop signal (p.Val242Serfs*6) in the COQ2 gene. It is expected to result in an absent or disrupted protein product. Loss-of-function variants in COQ2 are known to be pathogenic (PMID: 16400613, 17374725). This variant is not present in population databases (gnomAD no frequency). This variant has not been reported in the literature in individuals affected with COQ2-related conditions. ClinVar contains an entry for this variant (Variation ID: 1921302). For these reasons, this variant has been classified as Pathogenic.

Literature cited by the submitters: PubMed 16400613; PubMed 17374725.